The following is an entry in ClinVar:

NM_001267550.2(TTN):c.31821G>T (p.Lys10607Asn)

Gene: TTN (titin; minus strand). Cytogenetic location: 2q31.2.
Variant type: single nucleotide variant.
Coding change: c.31821G>T on transcript NM_001267550.2 (MANE Select); coding-DNA position 31821, G replaced by T.
Protein change: p.Lys10607Asn; replaces lysine 10607 with asparagine.
Molecular consequence: missense variant. On other transcripts: intron variant (3).
Genome position (GRCh38, 1-based): chr2:178,689,838, C>A on the plus strand (G>T on the coding strand, the complement: TTN is on the minus strand). VCF-style: chr2-178689838-C-A. GRCh37 (hg19) VCF-style: chr2-179554565-C-A.
Other names: c.31821G>T (NM_001267550.1); c.30870G>T, p.Lys10290Asn (NM_001256850.1); c.28089G>T, p.Lys9363Asn (NM_133378.4); c.13283-47521G>T (NM_003319.4); c.13859-47521G>T (NM_133437.4); c.13658-47521G>T (NM_133432.3); short protein forms K10607N, K9363N, K10290N.
Identifiers: ClinVar variation 497824 (VCV000497824.27), dbSNP rs746722623, ClinGen allele CA1998837.

ClinVar aggregate classification (germline): Uncertain significance. Review status: criteria provided, multiple submitters, no conflicts (2 of 4 stars). 8 submissions from 8 submitters: Uncertain significance (8). Last evaluated 2026-09-14.

Conditions:
Dilated cardiomyopathy 1G (CMD1G). Identifiers: Orphanet 154, MedGen C1858763, MONDO:0011400, OMIM 604145.
TTN-related disorder. Also called: TTN-related condition; TTN-related disease; TTN-related disorders.
Myopathy, myofibrillar, 9, with early respiratory failure (MFM9). Also called: Myopathy, distal, with early respiratory failure, autosomal dominant; EDSTROM MYOPATHY; MYOPATHY, PROXIMAL, WITH EARLY RESPIRATORY MUSCLE INVOLVEMENT; Hereditary myopathy with early respiratory failure. Identifiers: Orphanet 178464, Orphanet 34521, MedGen C1863599, MONDO:0011362, OMIM 603689.
Early-onset myopathy with fatal cardiomyopathy (CMYO5). Also called: CONGENITAL MYOPATHY 5 WITH CARDIOMYOPATHY; Salih Myopathy. Identifiers: Orphanet 289377, MedGen C2673677, MONDO:0012714, OMIM 611705. Disease mechanism: loss of function.
Autosomal recessive limb-girdle muscular dystrophy type 2J (LGMDR10). Also called: MUSCULAR DYSTROPHY, LIMB-GIRDLE, AUTOSOMAL RECESSIVE 10; Limb-girdle muscular dystrophy, type 2J. Identifiers: Orphanet 140922, MedGen C1837342, MONDO:0012127, OMIM 608807.
Hypertrophic cardiomyopathy 9. Also called: Familial hypertrophic cardiomyopathy 9. Identifiers: MedGen C1861065, MONDO:0013412, OMIM 613765.
Tibial muscular dystrophy (TMD). Also called: UDD MYOPATHY; Tibial muscular dystrophy, tardive; Udd Distal Myopathy – Tibial Muscular Dystrophy. Identifiers: Orphanet 609, MedGen C1838244, MONDO:0010870, OMIM 600334.

Allele frequency attached by ClinVar (database versions not stated): gnomAD exomes below 0.00001 and 0.00001; ExAC 0.00002; gnomAD 0.00004; TOPMed 0.00007.
gnomAD v4.1: 12 of 1,611,690 alleles (0.00074%); highest among the groups gnomAD compares: African/African-American, 0.012%; no homozygotes.

Submissions (8):

PreventionGenetics, part of Exact Sciences
Classification: Uncertain significance for TTN-related condition. Last evaluated: 2026-09-14. Review status: criteria provided, single submitter. Criteria: ACMG Guidelines, 2015. Collection method: clinical testing. Allele origin: germline.
Comment: The TTN c.31821G>T variant is predicted to result in the amino acid substitution p.Lys10607Asn. To our knowledge, this variant has not been reported in the literature. This variant is reported in 0.021% of alleles in individuals of African descent in gnomAD. At this time, the clinical significance of this variant is uncertain due to the absence of conclusive functional and genetic evidence.

CeGaT Center for Human Genetics Tuebingen
Classification: Uncertain significance. Last evaluated: 2026-08-01. Review status: criteria provided, single submitter. Criteria: CeGaT Center For Human Genetics Tuebingen Variant Classification Criteria Version 2. Collection method: clinical testing. Allele origin: germline. Affected: yes. Observed: 2 variant alleles.
Comment: TTN: PM2

Women's Health and Genetics/Laboratory Corporation of America, LabCorp
Classification: Uncertain significance. Last evaluated: 2026-02-16. Review status: criteria provided, single submitter. Criteria: LabCorp Variant Classification Summary - May 2015. Collection method: clinical testing. Allele origin: germline.
Comment: Variant summary: TTN c.28089G>T (p.Lys9363Asn) results in a non-conservative amino acid change in the encoded protein sequence. Algorithms developed to predict the effect of missense changes on protein structure and function are either unavailable or do not agree on the potential impact of this missense change. The variant allele was found at a frequency of 1.2e-05 in 247726 control chromosomes. The available data on variant occurrences in the general population are insufficient to allow any conclusion about variant significance. To our knowledge, no occurrence of c.28089G>T in individuals affected with TTN-related conditions and no experimental evidence demonstrating its impact on protein function have been reported. ClinVar contains an entry for this variant (Variation ID: 497824). Based on the evidence outlined above, the variant was classified as uncertain significance.

GeneDx
Classification: Uncertain significance. Last evaluated: 2025-10-01. Review status: criteria provided, single submitter. Criteria: GeneDx Variant Classification Process June 2021. Collection method: clinical testing. Allele origin: germline. Affected: yes.
Comment: Not observed at significant frequency in large population cohorts (gnomAD); Missense variant in a gene in which most reported pathogenic variants are truncating/loss of function; Has not been previously published as pathogenic or benign to our knowledge; Located in a region of TTN within the I-band in which the majority of loss of function variants are significantly associated with autosomal dominant titinopathies (PMID: 27625338, 27869827)

Fulgent Genetics
Classification: Uncertain significance for Tibial muscular dystrophy; Myopathy, myofibrillar, 9, with early respiratory failure; Dilated cardiomyopathy 1G; Autosomal recessive limb-girdle muscular dystrophy type 2J; Early-onset myopathy with fatal cardiomyopathy; Hypertrophic cardiomyopathy 9. Last evaluated: 2021-10-27. Review status: criteria provided, single submitter. Criteria: ACMG Guidelines, 2015. Collection method: clinical testing. Allele origin: unknown.

Baylor Genetics
Classification: Uncertain significance for Dilated cardiomyopathy 1G. Last evaluated: 2020-03-17. Review status: criteria provided, single submitter. Criteria: ACMG Guidelines, 2015. Collection method: clinical testing. Allele origin: unknown. Affected: yes.
Comment: This variant was determined to be of uncertain significance according to ACMG Guidelines, 2015 [PMID:25741868].

Labcorp Genetics (formerly Invitae), Labcorp
Classification: Uncertain significance for Dilated cardiomyopathy 1G; Autosomal recessive limb-girdle muscular dystrophy type 2J. Last evaluated: 2017-09-20. Review status: criteria provided, single submitter. Criteria: Invitae Variant Classification Sherloc (09022015). Collection method: clinical testing. Allele origin: germline.

Eurofins Ntd Llc (ga)
Classification: Uncertain significance. Last evaluated: 2016-10-19. Review status: criteria provided, single submitter. Criteria: EGL Classification Definitions 2015. Collection method: clinical testing. Allele origin: germline. Observed: 1 variant allele, 1 heterozygote.